The following is an entry in ClinVar:

ClinVar aggregate classification (germline): Uncertain significance (1 of 4 stars; one submission).

Conditions:
Intellectual disability, autosomal recessive 53 (NEDHSCA). Also called: GLYCOSYLPHOSPHATIDYLINOSITOL BIOSYNTHESIS DEFECT 13; Mental retardation, autosomal recessive 53; NEURODEVELOPMENTAL DISORDER WITH OR WITHOUT HYPOTONIA, SEIZURES, AND CEREBELLAR ATROPHY. Identifiers: Orphanet 488635, MedGen C4310794, MONDO:0014832, OMIM 616917.

Submission:

Labcorp Genetics (formerly Invitae), Labcorp
Classification: Uncertain significance for Intellectual disability, autosomal recessive 53. Last evaluated: 2022-06-23. Review status: criteria provided, single submitter. Criteria: Invitae Variant Classification Sherloc (09022015). Collection method: clinical testing. Allele origin: germline.
Comment: This sequence change replaces isoleucine, which is neutral and non-polar, with valine, which is neutral and non-polar, at codon 303 of the PIGG protein (p.Ile303Val). In summary, the available evidence is currently insufficient to determine the role of this variant in disease. Therefore, it has been classified as a Variant of Uncertain Significance. Algorithms developed to predict the effect of missense changes on protein structure and function output the following: SIFT: "Tolerated"; PolyPhen-2: "Benign"; Align-GVGD: "Class C0". The valine amino acid residue is found in multiple mammalian species, which suggests that this missense change does not adversely affect protein function. This variant has not been reported in the literature in individuals affected with PIGG-related conditions. This variant is not present in population databases (gnomAD no frequency).

NM_001127178.3(PIGG):c.907A>G (p.Ile303Val)

Gene: PIGG (phosphatidylinositol glycan anchor biosynthesis class G (EMM blood group); plus strand). Cytogenetic location: 4p16.3.
Variant type: single nucleotide variant.
Coding change: c.907A>G on transcript NM_001127178.3 (MANE Select); coding-DNA position 907, A replaced by G.
Protein change: p.Ile303Val; replaces isoleucine 303 with valine.
Molecular consequence: missense variant. On other transcripts: 5 prime UTR variant (4), non-coding transcript variant (10).
Genome position (GRCh38, 1-based): chr4:515,978, A>G. VCF-style: chr4-515978-A-G. GRCh37 (hg19) VCF-style: chr4-509767-A-G.
Other names: c.640A>G, p.Ile214Val (NM_001289051.2, NM_001289053.2, NM_001289057.2 and 2 more transcripts); c.508A>G, p.Ile170Val (NM_001289052.2); c.541A>G, p.Ile181Val (NM_001289055.2); c.-123A>G (NM_001345988.2); c.907A>G, p.Ile303Val (NM_001345989.2, NM_017733.5); c.-719A>G (NM_001345990.2); c.-581A>G (NM_001345991.2); c.-306A>G (NM_001345994.2); short protein forms I170V, I214V, I181V, I303V.
Identifiers: ClinVar variation 2009898 (VCV002009898.4), dbSNP rs2474763964, ClinGen allele CA355901724.